The following is an entry in ClinVar:

ClinVar aggregate classification (germline): Uncertain significance (1 of 4 stars; one submission).

Conditions:
Parathyroid carcinoma (PRTC). Also called: CDC73-Related Parathyroid Carcinoma; Parathyroid gland carcinoma. Identifiers: Orphanet 143, MedGen C0687150, MONDO:0012004, OMIM 608266, HP:0006780.

Submission:

Labcorp Genetics (formerly Invitae), Labcorp
Classification: Uncertain significance for Parathyroid carcinoma. Last evaluated: 2022-11-05. Review status: criteria provided, single submitter. Criteria: Invitae Variant Classification Sherloc (09022015). Collection method: clinical testing. Allele origin: germline.
Comment: In summary, the available evidence is currently insufficient to determine the role of this variant in disease. Therefore, it has been classified as a Variant of Uncertain Significance. Advanced modeling of protein sequence and biophysical properties (such as structural, functional, and spatial information, amino acid conservation, physicochemical variation, residue mobility, and thermodynamic stability) performed at Invitae indicates that this missense variant is not expected to disrupt CDC73 protein function. This variant has not been reported in the literature in individuals affected with CDC73-related conditions. This variant is not present in population databases (gnomAD no frequency). This sequence change replaces valine, which is neutral and non-polar, with leucine, which is neutral and non-polar, at codon 41 of the CDC73 protein (p.Val41Leu).

NM_024529.5(CDC73):c.121G>C (p.Val41Leu)

Gene: CDC73 (cell division cycle 73; plus strand). Cytogenetic location: 1q31.2.
Variant type: single nucleotide variant.
Coding change: c.121G>C on transcript NM_024529.5 (MANE Select); coding-DNA position 121, G replaced by C.
Protein change: p.Val41Leu; replaces valine 41 with leucine.
Molecular consequence: missense variant.
Genome position (GRCh38, 1-based): chr1:193,122,321, G>C. VCF-style: chr1-193122321-G-C. GRCh37 (hg19) VCF-style: chr1-193091451-G-C.
Other names: short protein forms V41L.
Identifiers: ClinVar variation 2809506 (VCV002809506.3), dbSNP rs2527281507, ClinGen allele CA343972994.